The following is an entry in ClinVar:

NM_000489.6(ATRX):c.2758G>T (p.Gly920Cys)

Gene: ATRX (ATRX chromatin remodeler; minus strand). Cytogenetic location: Xq21.1.
Variant type: single nucleotide variant.
Coding change: c.2758G>T on transcript NM_000489.6 (MANE Select); coding-DNA position 2758, G replaced by T.
Protein change: p.Gly920Cys; replaces glycine 920 with cysteine.
Molecular consequence: missense variant.
Genome position (GRCh38, 1-based): chrX:77,682,498, C>A on the plus strand (G>T on the coding strand, the complement: ATRX is on the minus strand). VCF-style: chrX-77682498-C-A. GRCh37 (hg19) VCF-style: chrX-76937990-C-A.
Other names: c.2644G>T, p.Gly882Cys (NM_138270.5); short protein forms G882C, G920C.
Identifiers: ClinVar variation 1795634 (VCV001795634.2), dbSNP rs2148589522, ClinGen allele CA413710627.

ClinVar aggregate classification (germline): Uncertain significance (1 of 4 stars; one submission).

Conditions:
Inborn genetic diseases. Identifiers: MedGen C0950123, MeSH D030342.

Submission:

Ambry Genetics
Classification: Uncertain significance for Inborn genetic diseases. Last evaluated: 2019-10-24. Review status: criteria provided, single submitter. Criteria: Ambry Variant Classification Scheme 2023. Collection method: clinical testing. Allele origin: germline.
Comment: The p.G920C variant (also known as c.2758G>T), located in coding exon 9 of the ATRX gene, results from a G to T substitution at nucleotide position 2758. The glycine at codon 920 is replaced by cysteine, an amino acid with highly dissimilar properties. This amino acid position is not well conserved in available vertebrate species. In addition, this alteration is predicted to be tolerated by in silico analysis. Since supporting evidence is limited at this time, the clinical significance of this alteration remains unclear.